The following is an entry in ClinVar:

ClinVar aggregate classification (germline): Conflicting classifications of pathogenicity. Review status: criteria provided, conflicting classifications (1 of 4 stars). 5 submissions from 5 submitters: Uncertain significance (4); Likely benign (1). Last evaluated 2023-07-01.

Conditions:
X-linked intellectual disability with marfanoid habitus. Also called: X-linked mental retardation with marfanoid habitus syndrome; INTELLECTUAL DEVELOPMENTAL DISORDER, X-LINKED, SYNDROMIC, LUJAN-FRYNS TYPE; Lujan Syndrome (LS); Lujan Syndrome. Identifiers: Orphanet 776, MedGen C0796022, MONDO:0010655, OMIM 309520.
Blepharophimosis - intellectual disability syndrome, MKB type. Also called: BLEPHAROPHIMOSIS-MENTAL RETARDATION SYNDROME, MAAT-KIEVIT-BRUNNER TYPE; Ohdo syndrome, X-linked; X-Linked Ohdo Syndrome (XLOS). Identifiers: Orphanet 293707, MedGen C3698541, MONDO:0010477, OMIM 300895.
FG syndrome 1 (OKS). Also called: OPITZ-KAVEGGIA SYNDROME; KELLER SYNDROME; MENTAL RETARDATION, LARGE HEAD, IMPERFORATE ANUS, CONGENITAL HYPOTONIA, AND PARTIAL AGENESIS OF CORPUS CALLOSUM; FG Syndrome Type 1 (FGS1). Identifiers: Orphanet 93932, MedGen C5399762, MONDO:0010590, OMIM 305450.
Familial thoracic aortic aneurysm and aortic dissection (TAAD). Also called: Thoracic aortic aneurysms and dissections. Identifiers: Orphanet 91387, MedGen C4707243, MONDO:0019625.
FG syndrome (FGS). Identifiers: MedGen C0220769, MONDO:0002010.

Allele frequency attached by ClinVar (database versions not stated): gnomAD exomes below 0.00001 and 0.00001; TOPMed below 0.00001.
gnomAD v4.1: 4 of 1,209,941 alleles (0.00033%); highest among the groups gnomAD compares: East Asian, 0.003%; no homozygotes.

Submissions (5):

CeGaT Center for Human Genetics Tuebingen
Classification: Uncertain significance. Last evaluated: 2023-07-01. Review status: criteria provided, single submitter. Criteria: CeGaT Center For Human Genetics Tuebingen Variant Classification Criteria Version 2. Collection method: clinical testing. Allele origin: germline. Affected: yes. Observed: 1 variant allele.

Labcorp Genetics (formerly Invitae), Labcorp
Classification: Likely benign for FG syndrome. Last evaluated: 2022-06-07. Review status: criteria provided, single submitter. Criteria: Invitae Variant Classification Sherloc (09022015). Collection method: clinical testing. Allele origin: germline.

Ambry Genetics
Classification: Uncertain significance for Familial thoracic aortic aneurysm and aortic dissection. Last evaluated: 2021-03-01. Review status: criteria provided, single submitter. Criteria: Ambry Variant Classification Scheme 2023. Collection method: clinical testing. Allele origin: germline.
Comment: The p.M666V variant (also known as c.1996A>G), located in coding exon 14 of the MED12 gene, results from an A to G substitution at nucleotide position 1996. The methionine at codon 666 is replaced by valine, an amino acid with highly similar properties. Based on data from gnomAD, the G allele has an overall frequency of 0.0006% (1/181286) total alleles studied, with 0 hemizygote(s) observed. The highest observed frequency was 0.007% (1/13551) of East Asian alleles. This amino acid position is highly conserved in available vertebrate species. In addition, this alteration is predicted to be tolerated by in silico analysis. Since supporting evidence is limited at this time, the clinical significance of this alteration remains unclear.

Centre for Mendelian Genomics, University Medical Centre Ljubljana
Classification: Uncertain significance for X-linked intellectual disability with marfanoid habitus. Last evaluated: 2019-08-12. Review status: criteria provided, single submitter. Criteria: ACMG Guidelines, 2015. Collection method: clinical testing. Allele origin: unknown. Affected: yes.
Comment: This variant was classified as: Uncertain significance. The available evidence on this variant's pathogenicity is insufficient or conflicting. The following ACMG criteria were applied in classifying this variant: PM2,PP3. This variant was detected in hemizygous state.

Center for Genomics, Ann and Robert H. Lurie Children's Hospital of Chicago
Classification: Uncertain significance for X-linked intellectual disability with marfanoid habitus; Blepharophimosis - intellectual disability syndrome, MKB type; FG syndrome 1. Review status: criteria provided, single submitter. Criteria: ACMG Guidelines, 2015. Collection method: clinical testing. Allele origin: germline.
Comment: MED12 NM_005120.3 exon 14 p.Met666Val (c.1996A>G): This variant has not been reported in the literature but is present in 0.007% (1/13551) of East Asian alleles in the Genome Aggregation Database. This variant is present in ClinVar (Variation ID:931587). Evolutionary conservation and computational predictive tools for this variant are unclear. In summary, data on this variant is insufficient for disease classification. Therefore, the clinical significance of this variant is uncertain.

NM_005120.3(MED12):c.1996A>G (p.Met666Val)

Gene: MED12 (mediator complex subunit 12; plus strand). Cytogenetic location: Xq13.1.
Variant type: single nucleotide variant.
Coding change: c.1996A>G on transcript NM_005120.3 (MANE Select); coding-DNA position 1996, A replaced by G.
Protein change: p.Met666Val; replaces methionine 666 with valine.
Molecular consequence: missense variant.
Genome position (GRCh38, 1-based): chrX:71,124,785, A>G. VCF-style: chrX-71124785-A-G. GRCh37 (hg19) VCF-style: chrX-70344635-A-G.
Other names: short protein forms M666V.
Identifiers: ClinVar variation 931587 (VCV000931587.35), dbSNP rs1401003961, ClinGen allele CA413510493.